The following is an entry in ClinVar:

ClinVar aggregate classification (germline): Pathogenic. Review status: criteria provided, multiple submitters, no conflicts (2 of 4 stars). 2 submissions from 2 submitters: Pathogenic (2). Last evaluated 2025-04-18.

Conditions:
COASY-Related Disorders.
Neurodegeneration with brain iron accumulation 6 (NBIA6). Also called: COASY protein-associated neurodegeneration. Identifiers: Orphanet 397725, MedGen C4517377, MONDO:0014290, OMIM 615643.

Allele frequency attached by ClinVar (database versions not stated): gnomAD exomes below 0.00001 and 0.00001; ExAC 0.00002; gnomAD 0.00002 and 0.00003; TOPMed 0.00005; ESP Exome Variant Server 0.00008.
gnomAD v4.1: 4 of 1,613,776 alleles (0.00025%); highest among the groups gnomAD compares: African/African-American, 0.0027%; no homozygotes.

Submissions (2):

Women's Health and Genetics/Laboratory Corporation of America, LabCorp
Classification: Pathogenic for COASY-Related Disorders. Last evaluated: 2025-04-18. Review status: criteria provided, single submitter. Criteria: LabCorp Variant Classification Summary - May 2015. Collection method: clinical testing. Allele origin: germline.
Comment: Variant summary: COASY c.1567C>T (p.Gln523X) results in a premature termination codon, predicted to cause a truncation of the encoded protein or absence of the protein due to nonsense mediated decay, which are commonly known mechanisms for disease. The variant allele was found at a frequency of 8e-06 in 250980 control chromosomes. To our knowledge, no occurrence of c.1567C>T in individuals affected with COASY-Related Disorders and no experimental evidence demonstrating its impact on protein function have been reported. ClinVar contains an entry for this variant (Variation ID: 1373025). Based on the evidence outlined above, the variant was classified as pathogenic.

Labcorp Genetics (formerly Invitae), Labcorp
Classification: Pathogenic for Neurodegeneration with brain iron accumulation 6. Last evaluated: 2024-11-14. Review status: criteria provided, single submitter. Criteria: Invitae Variant Classification Sherloc (09022015). Collection method: clinical testing. Allele origin: germline.
Comment: This sequence change creates a premature translational stop signal (p.Gln523*) in the COASY gene. It is expected to result in an absent or disrupted protein product. Loss-of-function variants in COASY are known to be pathogenic (PMID: 24360804, 30089828). This variant is present in population databases (rs374709763, gnomAD 0.007%). This variant has not been reported in the literature in individuals affected with COASY-related conditions. ClinVar contains an entry for this variant (Variation ID: 1373025). For these reasons, this variant has been classified as Pathogenic.

Literature cited by the submitters: PubMed 24360804 (cited by Labcorp Genetics (formerly Invitae), Labcorp); PubMed 30089828 (cited by Labcorp Genetics (formerly Invitae), Labcorp).

NM_025233.7(COASY):c.1567C>T (p.Gln523Ter)

Gene: COASY (Coenzyme A synthase; plus strand). Cytogenetic location: 17q21.2.
Variant type: single nucleotide variant.
Coding change: c.1567C>T on transcript NM_025233.7 (MANE Select); coding-DNA position 1567, C replaced by T.
Protein change: p.Gln523Ter; replaces glutamine 523 with a stop codon.
Molecular consequence: nonsense.
Genome position (GRCh38, 1-based): chr17:42,565,740, C>T. VCF-style: chr17-42565740-C-T. GRCh37 (hg19) VCF-style: chr17-40717758-C-T.
Other names: c.1567C>T, p.Gln523Ter (NM_001042529.3); c.1654C>T, p.Gln552Ter (NM_001042532.4); short protein forms Q523*, Q552*.
Identifiers: ClinVar variation 1373025 (VCV001373025.8), dbSNP rs374709763, ClinGen allele CA8578397.